The following is an entry in ClinVar:

ClinVar aggregate classification (germline): Uncertain significance. Review status: criteria provided, multiple submitters, no conflicts (2 of 4 stars). 4 submissions from 4 submitters: Uncertain significance (4). Last evaluated 2025-01-26.

Conditions:
Inborn genetic diseases. Identifiers: MedGen C0950123, MeSH D030342.
Developmental and epileptic encephalopathy, 18 (DEE18). Also called: Early infantile epileptic encephalopathy 18. Identifiers: Orphanet 369894, MedGen C3809624, MONDO:0014201, OMIM 615476.

Allele frequency attached by ClinVar (database versions not stated): gnomAD 0.00002 and 0.00003; gnomAD exomes 0.00003; ExAC 0.00004; TOPMed 0.00004; 1000 Genomes Project 30x 0.00016; 1000 Genomes Project 0.00020.
gnomAD v4.1: 51 of 1,613,294 alleles (0.0032%); highest among the groups gnomAD compares: Non-Finnish European, 0.0036%; no homozygotes.

Submissions (4):

Ambry Genetics
Classification: Uncertain significance for Inborn genetic diseases. Last evaluated: 2025-01-26. Review status: criteria provided, single submitter. Criteria: Ambry Variant Classification Scheme 2023. Collection method: clinical testing. Allele origin: germline.

GeneDx
Classification: Uncertain significance. Last evaluated: 2025-01-06. Review status: criteria provided, single submitter. Criteria: GeneDx Variant Classification Process June 2021. Collection method: clinical testing. Allele origin: germline. Affected: yes.
Comment: Not observed at significant frequency in large population cohorts (gnomAD); In silico analysis indicates that this missense variant does not alter protein structure/function; Has not been previously published as pathogenic or benign to our knowledge

Labcorp Genetics (formerly Invitae), Labcorp
Classification: Uncertain significance. Last evaluated: 2023-12-06. Review status: criteria provided, single submitter. Criteria: Invitae Variant Classification Sherloc (09022015). Collection method: clinical testing. Allele origin: germline.
Comment: This sequence change replaces arginine, which is basic and polar, with histidine, which is basic and polar, at codon 2884 of the SZT2 protein (p.Arg2884His). This variant is present in population databases (rs202113628, gnomAD 0.006%). This variant has not been reported in the literature in individuals affected with SZT2-related conditions. ClinVar contains an entry for this variant (Variation ID: 1054265). Advanced modeling of protein sequence and biophysical properties (such as structural, functional, and spatial information, amino acid conservation, physicochemical variation, residue mobility, and thermodynamic stability) performed at Invitae indicates that this missense variant is expected to disrupt SZT2 protein function with a positive predictive value of 80%. In summary, the available evidence is currently insufficient to determine the role of this variant in disease. Therefore, it has been classified as a Variant of Uncertain Significance.

Genome-Nilou Lab
Classification: Uncertain significance for Developmental and epileptic encephalopathy, 18. Last evaluated: 2023-04-11. Review status: criteria provided, single submitter. Criteria: ACMG Guidelines, 2015. Collection method: clinical testing. Allele origin: germline. Affected: no.

NM_001365999.1(SZT2):c.8822G>A (p.Arg2941His)

Gene: SZT2 (SZT2 subunit of KICSTOR complex; plus strand). Cytogenetic location: 1p34.2.
Variant type: single nucleotide variant.
Coding change: c.8822G>A on transcript NM_001365999.1 (MANE Select); coding-DNA position 8822, G replaced by A.
Protein change: p.Arg2941His; replaces arginine 2941 with histidine.
Molecular consequence: missense variant.
Genome position (GRCh38, 1-based): chr1:43,443,793, G>A. VCF-style: chr1-43443793-G-A. GRCh37 (hg19) VCF-style: chr1-43909464-G-A.
Other names: c.8651G>A, p.Arg2884His (NM_015284.4); short protein forms R2884H, R2941H.
Identifiers: ClinVar variation 1054265 (VCV001054265.11), dbSNP rs202113628, ClinGen allele CA810683.